The following is an entry in ClinVar:

NM_004364.5(CEBPA):c.577C>T (p.His193Tyr)

Gene: CEBPA (CCAAT enhancer binding protein alpha; minus strand). Cytogenetic location: 19q13.11.
Variant type: single nucleotide variant.
Coding change: c.577C>T on transcript NM_004364.5 (MANE Select); coding-DNA position 577, C replaced by T.
Protein change: p.His193Tyr; replaces histidine 193 with tyrosine.
Molecular consequence: missense variant.
Genome position (GRCh38, 1-based): chr19:33,301,838, G>A on the plus strand (C>T on the coding strand, the complement: CEBPA is on the minus strand). VCF-style: chr19-33301838-G-A. GRCh37 (hg19) VCF-style: chr19-33792744-G-A.
Other names: c.220C>T, p.His74Tyr (NM_001285829.2); c.682C>T, p.His228Tyr (NM_001287424.2); c.535C>T, p.His179Tyr (NM_001287435.2); short protein forms H228Y, H193Y, H74Y, H179Y.
Identifiers: ClinVar variation 2196355 (VCV002196355.4), dbSNP rs1462599799, ClinGen allele CA405274656.
Genomic context (GRCh38, chr19:33,301,838, plus strand): 5'-AGTGCGCGATCTGGAACTGCAGGTGCGGGGCGGCCAGGTGCGCGGGCGGCGGGTGCGGGT[G>A]CGGGTGCGAGGGCGGCGGCGGCGGCGGCGGCTGGTAAGGGAAGAGGCCGGCCAGCGCCAG-3'
Protein context (NP_004355.2, residues 183-203): PPPPPPPSHP[His193Tyr]PHPPPAHLAA

ClinVar aggregate classification (germline): Uncertain significance (1 of 4 stars; one submission).

Conditions:
Acute myeloid leukemia (AML). Also called: Acute myeloid leukemia, adult; AML adult; Acute non-lymphocytic leukemia; Acute granulocytic leukemia; Leukemia, acute myeloid, somatic; Leukemia, acute myelogenous, somatic. Identifiers: Orphanet 519, MedGen C0023467, MeSH D015470, MONDO:0018874, OMIM 601626, HP:0004808. Disease mechanism: Constitutively activated FLT3.

Submission:

Labcorp Genetics (formerly Invitae), Labcorp
Classification: Uncertain significance for Acute myeloid leukemia. Last evaluated: 2022-04-07. Review status: criteria provided, single submitter. Criteria: Invitae Variant Classification Sherloc (09022015). Collection method: clinical testing. Allele origin: germline.
Comment: This sequence change replaces histidine, which is basic and polar, with tyrosine, which is neutral and polar, at codon 193 of the CEBPA protein (p.His193Tyr). The frequency data for this variant in the population databases is considered unreliable, as metrics indicate poor data quality at this position in the gnomAD database. This variant has not been reported in the literature in individuals affected with CEBPA-related conditions. Algorithms developed to predict the effect of missense changes on protein structure and function (SIFT, PolyPhen-2, Align-GVGD) all suggest that this variant is likely to be tolerated. In summary, the available evidence is currently insufficient to determine the role of this variant in disease. Therefore, it has been classified as a Variant of Uncertain Significance.